The following is an entry in ClinVar:

ClinVar aggregate classification (germline): Likely benign (1 of 4 stars; one submission).

Submission:

GeneDx
Classification: Likely benign. Last evaluated: 2012-08-21. Review status: criteria provided, single submitter. Criteria: GeneDx Variant Classification (06012015). Collection method: clinical testing. Allele origin: germline. Affected: yes.
Comment: This variant is considered likely benign or benign based on one or more of the following criteria: it is a conservative change, it occurs at a poorly conserved position in the protein, it is predicted to be benign by multiple in silico algorithms, and/or has population frequency not consistent with disease.

NM_001267550.2(TTN):c.50185A>G (p.Asn16729Asp)

Genes: TTN (titin; minus strand), TTN-AS1 (TTN antisense RNA 1; plus strand). Cytogenetic location: 2q31.2.
Variant type: single nucleotide variant.
Coding change: c.50185A>G on transcript NM_001267550.2 (MANE Select); coding-DNA position 50185, A replaced by G.
Protein change: p.Asn16729Asp; replaces asparagine 16729 with aspartic acid.
Molecular consequence: missense variant.
Genome position (GRCh38, 1-based): chr2:178,612,340, T>C on the plus strand (A>G on the coding strand, the complement: TTN is on the minus strand). VCF-style: chr2-178612340-T-C. GRCh37 (hg19) VCF-style: chr2-179477067-T-C.
Other names: p.N14161D:AAT>GAT; c.45262A>G, p.Asn15088Asp (NM_001256850.1); c.22990A>G, p.Asn7664Asp (NM_003319.4); c.42481A>G, p.Asn14161Asp (NM_133378.4); c.23365A>G, p.Asn7789Asp (NM_133432.3); c.23566A>G, p.Asn7856Asp (NM_133437.4); short protein forms N14161D, N16729D, N15088D, N7664D, N7856D, N7789D.
Identifiers: ClinVar variation 202306 (VCV000202306.3), dbSNP rs794729238, ClinGen allele CA309034.